The following is an entry in ClinVar:

NM_139058.3(ARX):c.383C>T (p.Pro128Leu)

Genes: ARX (aristaless related homeobox; minus strand), LOC109610631 (aristaless related homeobox polyalanine expansion region; plus strand). Cytogenetic location: Xp21.3.
Variant type: single nucleotide variant.
Coding change: c.383C>T on transcript NM_139058.3 (MANE Select); coding-DNA position 383, C replaced by T.
Protein change: p.Pro128Leu; replaces proline 128 with leucine.
Molecular consequence: missense variant.
Genome position (GRCh38, 1-based): chrX:25,013,612, G>A on the plus strand (C>T on the coding strand, the complement: ARX is on the minus strand). VCF-style: chrX-25013612-G-A. GRCh37 (hg19) VCF-style: chrX-25031729-G-A.
Other names: short protein forms P128L.
Identifiers: ClinVar variation 4887339 (VCV004887339.1).

ClinVar aggregate classification (germline): Uncertain significance (1 of 4 stars; one submission).

Submission:

Women's Health and Genetics/Laboratory Corporation of America, LabCorp
Classification: Uncertain significance. Last evaluated: 2026-06-11. Review status: criteria provided, single submitter. Criteria: LabCorp Variant Classification Summary - May 2015. Collection method: clinical testing. Allele origin: germline.
Comment: Variant summary: ARX c.383C>T (p.Pro128Leu) results in a non-conservative amino acid change in the encoded protein sequence. Algorithms developed to predict the effect of missense changes on protein structure and function are either unavailable or do not agree on the potential impact of this missense change. The frequency of this variant in the general population could not be determined as the technology used for large population databases (ExAC, gnomAD, ESP, 1000G) cannot detect variants of this type. The available data on variant occurrences in the general population are insufficient to allow any conclusion about variant significance. To our knowledge, no occurrence of c.383C>T in individuals affected with ARX-related conditions and no experimental evidence demonstrating its impact on protein function have been reported. No submitters have cited clinical-significance assessments for this variant to ClinVar. Based on the evidence outlined above, the variant was classified as uncertain significance.